The following is an entry in ClinVar:

NM_001972.4(ELANE):c.270_273dup (p.Arg92fs)

Gene: ELANE (elastase, neutrophil expressed; plus strand). Cytogenetic location: 19p13.3.
Variant type: Duplication.
Coding change: c.270_273dup on transcript NM_001972.4 (MANE Select); coding-DNA positions 270 to 273, 4 bases duplicated (GCGG; older notation c.270_273dupGCGG).
Protein change: p.Arg92fs; shifts the reading frame from arginine 92.
Molecular consequence: frameshift variant.
Genome position (GRCh38, 1-based): chr19:853,307-853,310, GCGG duplicated. VCF-style (leftmost placement, unchanged base first): chr19-853306-C-CGCGG. GRCh37 (hg19) VCF-style: chr19-853306-C-CGCGG.
Other names: short protein forms R92fs.
Identifiers: ClinVar variation 2195571 (VCV002195571.4), dbSNP rs2512165241, ClinGen allele CA2580096960.

ClinVar aggregate classification (germline): Uncertain significance (1 of 4 stars; one submission).

Conditions:
Cyclical neutropenia. Also called: Cyclic hematopoiesis; Cyclic Neutropenia. Identifiers: Orphanet 2686, MedGen C0221023, MONDO:0008090, OMIM 162800, HP:0040289. Disease mechanism: loss of function.
Neutropenia, severe congenital, 1, autosomal dominant. Identifiers: MedGen C1859966, MONDO:0042490, OMIM 202700.

Submission:

Labcorp Genetics (formerly Invitae), Labcorp
Classification: Uncertain significance for Neutropenia, severe congenital, 1, autosomal dominant; Cyclical neutropenia. Last evaluated: 2022-08-11. Review status: criteria provided, single submitter. Criteria: Invitae Variant Classification Sherloc (09022015). Collection method: clinical testing. Allele origin: germline.
Comment: In summary, the available evidence is currently insufficient to determine the role of this variant in disease. Therefore, it has been classified as a Variant of Uncertain Significance. Experimental studies and prediction algorithms are not available or were not evaluated, and the functional significance of this variant is currently unknown. This variant has not been reported in the literature in individuals affected with ELANE-related conditions. This variant is not present in population databases (gnomAD no frequency). This sequence change results in a frameshift in the ELANE gene (p.Arg92Alafs*199). While this is not anticipated to result in nonsense mediated decay, it is expected to disrupt the last 176 amino acid(s) of the ELANE protein and extend the protein by 22 additional amino acid residues.